The following is an entry in ClinVar:

ClinVar aggregate classification (germline): Uncertain significance. Review status: criteria provided, multiple submitters, no conflicts (2 of 4 stars). 2 submissions from 2 submitters: Uncertain significance (2). Last evaluated 2022-08-15.

Conditions:
Glucose-6-phosphate transport defect (GSD1B). Also called: Glycogen Storage Disease Type Ib; GSD Ib. Identifiers: Orphanet 364, Orphanet 79259, MedGen C0268146, MONDO:0009288, OMIM 232220.

Allele frequency attached by ClinVar (database versions not stated): gnomAD exomes 0.00002 and below 0.00001; 1000 Genomes Project 30x 0.00016; ExAC 0.00001; gnomAD 0.00001; 1000 Genomes Project 0.00020.

Submissions (2):

Labcorp Genetics (formerly Invitae), Labcorp
Classification: Uncertain significance for Glucose-6-phosphate transport defect. Last evaluated: 2022-08-15. Review status: criteria provided, single submitter. Criteria: Invitae Variant Classification Sherloc (09022015). Collection method: clinical testing. Allele origin: germline.
Comment: This sequence change replaces alanine, which is neutral and non-polar, with valine, which is neutral and non-polar, at codon 280 of the SLC37A4 protein (p.Ala280Val). This variant is present in population databases (rs555640045, gnomAD 0.03%). This missense change has been observed in individual(s) with clinical features of SLC37A4-related conditions (PMID: 30290665). ClinVar contains an entry for this variant (Variation ID: 288246). In summary, the available evidence is currently insufficient to determine the role of this variant in disease. Therefore, it has been classified as a Variant of Uncertain Significance.

Eurofins Ntd Llc (ga)
Classification: Uncertain significance. Last evaluated: 2016-05-19. Review status: criteria provided, single submitter. Criteria: EGL Classification Definitions 2015. Collection method: clinical testing. Allele origin: germline. Observed: 1 variant allele, 1 heterozygote.

Literature cited by the submitters: PubMed 30290665 (cited by Labcorp Genetics (formerly Invitae), Labcorp).

NM_001164277.2(SLC37A4):c.839C>T (p.Ala280Val)

Gene: SLC37A4 (solute carrier family 37 member 4; minus strand). Cytogenetic location: 11q23.3.
Variant type: single nucleotide variant.
Coding change: c.839C>T on transcript NM_001164277.2 (MANE Select); coding-DNA position 839, C replaced by T.
Protein change: p.Ala280Val; replaces alanine 280 with valine.
Molecular consequence: missense variant.
Genome position (GRCh38, 1-based): chr11:119,026,634, G>A on the plus strand (C>T on the coding strand, the complement: SLC37A4 is on the minus strand). VCF-style: chr11-119026634-G-A. GRCh37 (hg19) VCF-style: chr11-118897344-G-A.
Other names: c.839C>T, p.Ala280Val (NM_001164278.2, NM_001164280.2, NM_001467.6); c.620C>T, p.Ala207Val (NM_001164279.2); short protein forms A280V, A207V.
Identifiers: ClinVar variation 288246 (VCV000288246.6), dbSNP rs555640045, ClinGen allele CA6311720.